The following is an entry in ClinVar:

NM_181453.4(GCC2):c.3613+3G>A

Gene: GCC2 (GRIP and coiled-coil domain containing 2; plus strand). Cytogenetic location: 2q12.3.
Variant type: single nucleotide variant.
Coding change: c.3613+3G>A on transcript NM_181453.4 (MANE Select); 3 bases into the intron after coding-DNA position 3613, G replaced by A.
Molecular consequence: intron variant.
Genome position (GRCh38, 1-based): chr2:108,484,314, G>A. VCF-style: chr2-108484314-G-A. GRCh37 (hg19) VCF-style: chr2-109100770-G-A.
Other names: c.3310+3G>A (NM_001410194.1).
Identifiers: ClinVar variation 3033242 (VCV003033242.2), dbSNP rs192393191, ClinGen allele CA1821018.

ClinVar aggregate classification (germline): Likely benign (0 of 4 stars; one submission).

Conditions:
GCC2-related disorder. Also called: GCC2-related condition.

Allele frequency attached by ClinVar (database versions not stated): 1000 Genomes Project 0.00060; 1000 Genomes Project 30x 0.00062; gnomAD 0.00144; ESP Exome Variant Server 0.00185; ExAC 0.00214; TOPMed 0.00227.
gnomAD v4.1: 2,405 of 1,446,910 alleles (0.17%); highest among the groups gnomAD compares: Non-Finnish European, 0.2%; 2 homozygotes.

Submission:

PreventionGenetics, part of Exact Sciences
Classification: Likely benign for GCC2-related condition. Last evaluated: 2023-06-09. Review status: no assertion criteria provided. Collection method: clinical testing. Allele origin: germline.
Comment: This variant is classified as likely benign based on ACMG/AMP sequence variant interpretation guidelines (Richards et al. 2015 PMID: 25741868, with internal and published modifications).